The following is an entry in ClinVar:

ClinVar aggregate classification (germline): Uncertain significance (1 of 4 stars; one submission).

gnomAD v4.1: 11 of 1,569,710 alleles (0.0007%); highest among the groups gnomAD compares: Non-Finnish European, 0.00095%; no homozygotes.

Submission:

Labcorp Genetics (formerly Invitae), Labcorp
Classification: Uncertain significance. Last evaluated: 2025-05-03. Review status: criteria provided, single submitter. Criteria: Invitae Variant Classification Sherloc (09022015). Collection method: clinical testing. Allele origin: germline.
Comment: This sequence change replaces asparagine, which is neutral and polar, with serine, which is neutral and polar, at codon 396 of the UMOD protein (p.Asn396Ser). This variant is present in population databases (no rsID available, gnomAD 0.002%). This variant has not been reported in the literature in individuals affected with UMOD-related conditions. Invitae Evidence Modeling of protein sequence and biophysical properties (such as structural, functional, and spatial information, amino acid conservation, physicochemical variation, residue mobility, and thermodynamic stability) indicates that this missense variant is not expected to disrupt UMOD protein function with a negative predictive value of 80%. In summary, the available evidence is currently insufficient to determine the role of this variant in disease. Therefore, it has been classified as a Variant of Uncertain Significance.

NM_003361.4(UMOD):c.1187A>G (p.Asn396Ser)

Gene: UMOD (uromodulin; minus strand). Cytogenetic location: 16p12.3.
Variant type: single nucleotide variant.
Coding change: c.1187A>G on transcript NM_003361.4 (MANE Select); coding-DNA position 1187, A replaced by G.
Protein change: p.Asn396Ser; replaces asparagine 396 with serine.
Molecular consequence: missense variant. On other transcripts: non-coding transcript variant (1).
Genome position (GRCh38, 1-based): chr16:20,344,168, T>C on the plus strand (A>G on the coding strand, the complement: UMOD is on the minus strand). VCF-style: chr16-20344168-T-C. GRCh37 (hg19) VCF-style: chr16-20355490-T-C.
Other names: c.1187A>G, p.Asn396Ser (NM_001008389.3, NM_001378232.1, NM_001378233.1 and 3 more transcripts); c.1286A>G, p.Asn429Ser (NM_001278614.2); short protein forms N396S, N429S.
Identifiers: ClinVar variation 4748615 (VCV004748615.1).